The following is an entry in ClinVar:

NM_152305.3(POGLUT1):c.172C>T (p.His58Tyr)

Gene: POGLUT1 (protein O-glucosyltransferase 1; plus strand). Cytogenetic location: 3q13.33.
Variant type: single nucleotide variant.
Coding change: c.172C>T on transcript NM_152305.3 (MANE Select); coding-DNA position 172, C replaced by T.
Protein change: p.His58Tyr; replaces histidine 58 with tyrosine.
Molecular consequence: missense variant. On other transcripts: non-coding transcript variant (1).
Genome position (GRCh38, 1-based): chr3:119,469,906, C>T. VCF-style: chr3-119469906-C-T. GRCh37 (hg19) VCF-style: chr3-119188753-C-T.
Other names: c.172C>T, p.His58Tyr (NM_020231.3); short protein forms H58Y.
Identifiers: ClinVar variation 1720215 (VCV001720215.5), dbSNP rs2473016796, ClinGen allele CA354035533.

ClinVar aggregate classification (germline): Uncertain significance (1 of 4 stars; one submission).

Submission:

Labcorp Genetics (formerly Invitae), Labcorp
Classification: Uncertain significance. Last evaluated: 2022-09-23. Review status: criteria provided, single submitter. Criteria: Invitae Variant Classification Sherloc (09022015). Collection method: clinical testing. Allele origin: germline.
Comment: In summary, the available evidence is currently insufficient to determine the role of this variant in disease. Therefore, it has been classified as a Variant of Uncertain Significance. Advanced modeling of protein sequence and biophysical properties (such as structural, functional, and spatial information, amino acid conservation, physicochemical variation, residue mobility, and thermodynamic stability) performed at Invitae indicates that this missense variant is not expected to disrupt POGLUT1 protein function. This sequence change replaces histidine, which is basic and polar, with tyrosine, which is neutral and polar, at codon 58 of the POGLUT1 protein (p.His58Tyr). This variant is not present in population databases (gnomAD no frequency). This variant has not been reported in the literature in individuals affected with POGLUT1-related conditions.